The following is an entry in ClinVar:

NM_001283041.3(USP25):c.2727-5_2727-4dup

Gene: USP25 (ubiquitin specific peptidase 25; plus strand). Cytogenetic location: 21q21.1.
Variant type: Duplication.
Coding change: c.2727-5_2727-4dup on transcript NM_001283041.3 (MANE Select); 5 bases into the intron before coding-DNA position 2727 through 4 bases into the intron before coding-DNA position 2727, 2 bases duplicated (TT; older notation c.2727-5_2727-4dupTT).
Molecular consequence: intron variant.
Genome position (GRCh38, 1-based): chr21:15,866,261-15,866,262, TT duplicated; duplicating any 2 consecutive bases within chr21:15,866,254-15,866,262 gives the same sequence; the c. name uses the placement nearest the transcript's 3' end. VCF-style (leftmost placement, unchanged base first): chr21-15866253-G-GTT. GRCh37 (hg19) VCF-style: chr21-17238572-G-GTT.
Other names: c.1854-5_1854-4dup (NM_001352560.2, NM_001388299.1); c.1305-5_1305-4dup (NM_001388301.1, NM_001388300.1, NM_001352561.2); c.1296-5_1296-4dup (NM_001388302.1); c.2613-5_2613-4dup (NM_001283042.3); c.2517-5_2517-4dup (NM_013396.6).
Identifiers: ClinVar variation 4873437 (VCV004873437.2).

ClinVar aggregate classification (germline): Likely benign (1 of 4 stars; one submission).

Submission:

CeGaT Center for Human Genetics Tuebingen
Classification: Likely benign. Last evaluated: 2026-04-01. Review status: criteria provided, single submitter. Criteria: CeGaT Center For Human Genetics Tuebingen Variant Classification Criteria Version 2. Collection method: clinical testing. Allele origin: germline. Affected: yes. Observed: 1 variant allele.
Comment: USP25: BP4